The following is an entry in ClinVar:

NM_001267550.2(TTN):c.67637-1G>T

Genes: TTN (titin; minus strand), TTN-AS1 (TTN antisense RNA 1; plus strand), LOC126806423 (CDK7 strongly-dependent group 2 enhancer GRCh37_chr2:179443309-179444508; plus strand). Cytogenetic location: 2q31.2.
Variant type: single nucleotide variant.
Coding change: c.67637-1G>T on transcript NM_001267550.2 (MANE Select); the canonical splice acceptor site of the intron before coding-DNA position 67637, G replaced by T.
Molecular consequence: splice acceptor variant.
Genome position (GRCh38, 1-based): chr2:178,579,394, C>A on the plus strand (G>T on the coding strand, the complement: TTN is on the minus strand). VCF-style: chr2-178579394-C-A. GRCh37 (hg19) VCF-style: chr2-179444121-C-A.
Other names: c.40442-1G>T (NM_003319.4); c.41018-1G>T (NM_133437.4); c.40817-1G>T (NM_133432.3); c.59933-1G>T (NM_133378.4); c.62714-1G>T (NM_001256850.1).
Identifiers: ClinVar variation 1737304 (VCV001737304.2), dbSNP rs886038831, ClinGen allele CA349423309.

ClinVar aggregate classification (germline): Uncertain significance (1 of 4 stars; one submission).

Conditions:
Cardiovascular phenotype. Identifiers: MedGen CN230736.

Submission:

Ambry Genetics
Classification: Uncertain significance for Cardiovascular phenotype. Last evaluated: 2022-05-02. Review status: criteria provided, single submitter. Criteria: Ambry Variant Classification Scheme 2023. Collection method: clinical testing. Allele origin: germline.
Comment: The c.40442-1G>T intronic variant results from a G to T substitution one nucleotide upstream from coding exon 147 of the TTN gene. Exon 147 is located in the A-band region of the N2-B isoform of the titin protein and is constitutively expressed in TTN transcripts (percent spliced in or PSI 100%). This alteration disrupts the canonical splice site and is expected to cause aberrant splicing. However, although direct evidence is unavailable, this alteration is predicted to result in an in-frame transcript that is not expected to trigger nonsense-mediated mRNA decay. The exact functional effect of the predicted splice impact is unknown. Since supporting evidence is limited at this time, the clinical significance of this alteration remains unclear.